The following is an entry in ClinVar:

NM_021942.6(TRAPPC11):c.1193G>A (p.Arg398Gln)

Gene: TRAPPC11 (trafficking protein particle complex subunit 11; plus strand). Cytogenetic location: 4q35.1.
Variant type: single nucleotide variant.
Coding change: c.1193G>A on transcript NM_021942.6 (MANE Select); coding-DNA position 1193, G replaced by A.
Protein change: p.Arg398Gln; replaces arginine 398 with glutamine.
Molecular consequence: missense variant.
Genome position (GRCh38, 1-based): chr4:183,682,811, G>A. VCF-style: chr4-183682811-G-A. GRCh37 (hg19) VCF-style: chr4-184603964-G-A.
Other names: c.1193G>A, p.Arg398Gln (NM_199053.3); short protein forms R398Q.
Identifiers: ClinVar variation 664462 (VCV000664462.9), dbSNP rs745588857, ClinGen allele CA3151817.

ClinVar aggregate classification (germline): Uncertain significance (1 of 4 stars; one submission).

Conditions:
Autosomal recessive limb-girdle muscular dystrophy type R18 (LGMDR18). Also called: Autosomal recessive limb-girdle muscular dystrophy type 2S; Limb-girdle muscular dystrophy, type 2S; MUSCULAR DYSTROPHY, LIMB-GIRDLE, AUTOSOMAL RECESSIVE 18. Identifiers: Orphanet 369840, MedGen C4517996, MONDO:0014144, OMIM 615356.

Allele frequency attached by ClinVar (database versions not stated): ExAC 0.00001; gnomAD exomes 0.00001 and 0.00003.
gnomAD v4.1: 35 of 1,611,752 alleles (0.0022%); highest among the groups gnomAD compares: South Asian, 0.0033%; no homozygotes.

Submission:

Labcorp Genetics (formerly Invitae), Labcorp
Classification: Uncertain significance for Autosomal recessive limb-girdle muscular dystrophy type R18. Last evaluated: 2024-10-16. Review status: criteria provided, single submitter. Criteria: Invitae Variant Classification Sherloc (09022015). Collection method: clinical testing. Allele origin: germline.
Comment: This sequence change replaces arginine, which is basic and polar, with glutamine, which is neutral and polar, at codon 398 of the TRAPPC11 protein (p.Arg398Gln). This variant is present in population databases (rs745588857, gnomAD 0.007%). This variant has not been reported in the literature in individuals affected with TRAPPC11-related conditions. ClinVar contains an entry for this variant (Variation ID: 664462). Invitae Evidence Modeling of protein sequence and biophysical properties (such as structural, functional, and spatial information, amino acid conservation, physicochemical variation, residue mobility, and thermodynamic stability) indicates that this missense variant is expected to disrupt TRAPPC11 protein function with a positive predictive value of 80%. In summary, the available evidence is currently insufficient to determine the role of this variant in disease. Therefore, it has been classified as a Variant of Uncertain Significance.